The following is an entry in ClinVar:

NM_004813.4(PEX16):c.542C>T (p.Thr181Met)

Gene: PEX16 (peroxisomal biogenesis factor 16; minus strand). Cytogenetic location: 11p11.2.
Variant type: single nucleotide variant.
Coding change: c.542C>T on transcript NM_004813.4 (MANE Select); coding-DNA position 542, C replaced by T.
Protein change: p.Thr181Met; replaces threonine 181 with methionine.
Molecular consequence: missense variant.
Genome position (GRCh38, 1-based): chr11:45,914,468, G>A on the plus strand (C>T on the coding strand, the complement: PEX16 is on the minus strand). VCF-style: chr11-45914468-G-A. GRCh37 (hg19) VCF-style: chr11-45936019-G-A.
Other names: c.542C>T, p.Thr181Met (NM_057174.3); short protein forms T181M.
Identifiers: ClinVar variation 2636025 (VCV002636025.1), dbSNP rs375900051, ClinGen allele CA5959923.

ClinVar aggregate classification (germline): Uncertain significance (1 of 4 stars; one submission).

Conditions:
PEX16-related disorder. Also called: PEX16-related condition.

Allele frequency attached by ClinVar (database versions not stated): gnomAD 0.00001; ExAC 0.00002; TOPMed 0.00002; ESP Exome Variant Server 0.00008.

Submission:

PreventionGenetics, part of Exact Sciences
Classification: Uncertain significance for PEX16-related condition. Last evaluated: 2023-03-10. Review status: criteria provided, single submitter. Criteria: ACMG Guidelines, 2015. Collection method: clinical testing. Allele origin: germline.
Comment: The PEX16 c.542C>T variant is predicted to result in the amino acid substitution p.Thr181Met. To our knowledge, this variant has not been reported in the literature. This variant is reported in 0.013% of alleles in individuals of South Asian descent in gnomAD. At this time, the clinical significance of this variant is uncertain due to the absence of conclusive functional and genetic evidence.